The following is an entry in ClinVar:

NM_014334.4(FRRS1L):c.547A>G (p.Lys183Glu)

Gene: FRRS1L (ferric chelate reductase 1 like; minus strand). Cytogenetic location: 9q31.3.
Variant type: single nucleotide variant.
Coding change: c.547A>G on transcript NM_014334.4 (MANE Select); coding-DNA position 547, A replaced by G.
Protein change: p.Lys183Glu; replaces lysine 183 with glutamic acid.
Molecular consequence: missense variant.
Genome position (GRCh38, 1-based): chr9:109,141,505, T>C on the plus strand (A>G on the coding strand, the complement: FRRS1L is on the minus strand). VCF-style: chr9-109141505-T-C. GRCh37 (hg19) VCF-style: chr9-111903785-T-C.
Other names: short protein forms K183E.
Identifiers: ClinVar variation 2776353 (VCV002776353.1), dbSNP rs746980642, ClinGen allele CA5177376.

ClinVar aggregate classification (germline): Uncertain significance (1 of 4 stars; one submission).

Conditions:
Developmental and epileptic encephalopathy, 37 (DEE37). Also called: Epileptic encephalopathy, early infantile, 37. Identifiers: MedGen C4310770, MONDO:0014859, OMIM 616981.

Allele frequency attached by ClinVar (database versions not stated): gnomAD exomes below 0.00001; ExAC 0.00001.
gnomAD v4.1: 7 of 1,614,178 alleles (0.00043%); highest among the groups gnomAD compares: South Asian, 0.0077%; no homozygotes.

Submission:

Labcorp Genetics (formerly Invitae), Labcorp
Classification: Uncertain significance for Developmental and epileptic encephalopathy, 37. Last evaluated: 2023-02-16. Review status: criteria provided, single submitter. Criteria: Invitae Variant Classification Sherloc (09022015). Collection method: clinical testing. Allele origin: germline.
Comment: This sequence change replaces lysine, which is basic and polar, with glutamic acid, which is acidic and polar, at codon 234 of the FRRS1L protein (p.Lys234Glu). This variant is present in population databases (rs746980642, gnomAD 0.003%). This variant has not been reported in the literature in individuals affected with FRRS1L-related conditions. An algorithm developed to predict the effect of missense changes on protein structure and function (PolyPhen-2) suggests that this variant¬† is likely to be tolerated. In summary, the available evidence is currently insufficient to determine the role of this variant in disease. Therefore, it has been classified as a Variant of Uncertain Significance.